The following is an entry in ClinVar:

NM_000501.4(ELN):c.1966G>A (p.Gly656Arg)

Gene: ELN (elastin; plus strand). Cytogenetic location: 7q11.23.
Variant type: single nucleotide variant.
Coding change: c.1966G>A on transcript NM_000501.4 (MANE Select); coding-DNA position 1966, G replaced by A.
Protein change: p.Gly656Arg; replaces glycine 656 with arginine.
Molecular consequence: missense variant.
Genome position (GRCh38, 1-based): chr7:74,063,668, G>A. VCF-style: chr7-74063668-G-A. GRCh37 (hg19) VCF-style: chr7-73477998-G-A.
Other names: c.1894G>A, p.Gly632Arg (NM_001278914.2); c.1984G>A, p.Gly662Arg (NM_001278915.2); c.1822G>A, p.Gly608Arg (NM_001278916.2); c.1936G>A, p.Gly646Arg (NM_001278917.2); c.1699G>A, p.Gly567Arg (NM_001278918.2); c.2152G>A, p.Gly718Arg (NM_001278939.2); c.1879G>A, p.Gly627Arg (NM_001081752.3); c.1924G>A, p.Gly642Arg (NM_001081753.3); and 4 more; short protein forms G632R, G662R, G718R, G637R, G575R, G608R, G567R, G627R.
Identifiers: ClinVar variation 946198 (VCV000946198.9), dbSNP rs782783288, ClinGen allele CA4293319.
Genomic context (GRCh38, chr7:74,063,668, plus strand): 5'-GCTGTCTCCACAGGCCTAGTGGGAGCCGCTGGGCTCGGAGGACTCGGAGTCGGAGGGCTT[G>A]GAGTTCCAGGTGTTGGGGGCCTTGGAGGTGAGAGTTGTTCTGAAATCAGTGAGTGTGTGT-3'
Protein context (NP_000492.2, residues 646-666): GLGGLGVGGL[Gly656Arg]VPGVGGLGGI

ClinVar aggregate classification (germline): Uncertain significance (1 of 4 stars; one submission).

Conditions:
Supravalvar aortic stenosis (SVAS). Also called: Supravalvar aortic stenosis, Eisenberg type. Identifiers: Orphanet 3193, MedGen C0003499, MONDO:0008504, OMIM 185500, HP:0004381.

Allele frequency attached by ClinVar (database versions not stated): ExAC 0.00001; gnomAD 0.00001; gnomAD exomes 0.00001; TOPMed 0.00001.
gnomAD v4.1: 23 of 1,614,046 alleles (0.0014%); highest among the groups gnomAD compares: Non-Finnish European, 0.0018%; no homozygotes.

Submission:

Labcorp Genetics (formerly Invitae), Labcorp
Classification: Uncertain significance for Supravalvar aortic stenosis. Last evaluated: 2025-12-03. Review status: criteria provided, single submitter. Criteria: Invitae Variant Classification Sherloc (09022015). Collection method: clinical testing. Allele origin: germline.
Comment: This sequence change replaces glycine, which is neutral and non-polar, with arginine, which is basic and polar, at codon 718 of the ELN protein (p.Gly718Arg). This variant is present in population databases (rs782783288, gnomAD 0.007%). This variant has not been reported in the literature in individuals affected with ELN-related conditions. ClinVar contains an entry for this variant (Variation ID: 946198). Invitae Evidence Modeling of protein sequence and biophysical properties (such as structural, functional, and spatial information, amino acid conservation, physicochemical variation, residue mobility, and thermodynamic stability) indicates that this missense variant is not expected to disrupt ELN protein function with a negative predictive value of 80%. Algorithms developed to predict the effect of sequence changes on RNA splicing suggest that this variant may disrupt the consensus splice site. In summary, the available evidence is currently insufficient to determine the role of this variant in disease. Therefore, it has been classified as a Variant of Uncertain Significance.